The following is an entry in ClinVar:

NM_139278.4(LGI3):c.53C>T (p.Ser18Phe)

Gene: LGI3 (leucine rich repeat LGI family member 3; minus strand). Cytogenetic location: 8p21.3.
Variant type: single nucleotide variant.
Coding change: c.53C>T on transcript NM_139278.4 (MANE Select); coding-DNA position 53, C replaced by T.
Protein change: p.Ser18Phe; replaces serine 18 with phenylalanine.
Molecular consequence: missense variant.
Genome position (GRCh38, 1-based): chr8:22,156,490, G>A on the plus strand (C>T on the coding strand, the complement: LGI3 is on the minus strand). VCF-style: chr8-22156490-G-A. GRCh37 (hg19) VCF-style: chr8-22014003-G-A.
Other names: short protein forms S18F.
Identifiers: ClinVar variation 2455518 (VCV002455518.4), dbSNP rs780660423, ClinGen allele CA4663780.
Genomic context (GRCh38, chr8:22,156,490, plus strand): 5'-GGGGGCGTCTTGGGGGGCCTCTTAGCGCTGACTTGCAGCATGAGGCAGAAGCCGAGCGCG[G>A]AGAGCGCCAGCAGCCCCGGCCCCGGGCCCCCCCTGGCCCGCAGCCCCGCCATGCTGCCCG-3'
Protein context (NP_644807.1, residues 8-28): GGPGPGLLAL[Ser18Phe]ALGFCLMLQV

ClinVar aggregate classification (germline): Uncertain significance. Review status: criteria provided, multiple submitters, no conflicts (2 of 4 stars). 2 submissions from 2 submitters: Uncertain significance (2). Last evaluated 2025-03-15.

Allele frequency attached by ClinVar (database versions not stated): gnomAD 0.00025; TOPMed 0.00035; gnomAD exomes 0.00039; ExAC 0.00059.
gnomAD v4.1: 528 of 1,419,512 alleles (0.037%); highest among the groups gnomAD compares: Admixed American, 0.067%; no homozygotes.

Submissions (2):

Ambry Genetics
Classification: Uncertain significance. Last evaluated: 2025-03-15. Review status: criteria provided, single submitter. Criteria: Ambry Variant Classification Scheme 2023. Collection method: clinical testing. Allele origin: germline.

GeneDx
Classification: Uncertain significance. Last evaluated: 2024-03-07. Review status: criteria provided, single submitter. Criteria: GeneDx Variant Classification Process June 2021. Collection method: clinical testing. Allele origin: germline. Affected: yes.
Comment: In silico analysis supports that this missense variant does not alter protein structure/function; Has not been previously published as pathogenic or benign to our knowledge